The following is an entry in ClinVar:

ClinVar aggregate classification (germline): Pathogenic (1 of 4 stars; one submission).

gnomAD v4.1: 2 of 1,612,904 alleles (0.00012%); highest among the groups gnomAD compares: Admixed American, 0.0017%; no homozygotes.

Submission:

Labcorp Genetics (formerly Invitae), Labcorp
Classification: Pathogenic. Last evaluated: 2022-11-02. Review status: criteria provided, single submitter. Criteria: Invitae Variant Classification Sherloc (09022015). Collection method: clinical testing. Allele origin: germline.
Comment: This sequence change creates a premature translational stop signal (p.Tyr1602*) in the ASPM gene. It is expected to result in an absent or disrupted protein product. Loss-of-function variants in ASPM are known to be pathogenic (PMID: 19028728, 23611254). This variant is not present in population databases (gnomAD no frequency). This premature translational stop signal has been observed in individual(s) with primary microcephaly (PMID: 29243349). For these reasons, this variant has been classified as Pathogenic.

Literature cited by the submitters: PubMed 19028728; PubMed 23611254; PubMed 29243349.

NM_018136.5(ASPM):c.4806T>G (p.Tyr1602Ter)

Gene: ASPM (assembly factor for spindle microtubules; minus strand). Cytogenetic location: 1q31.3.
Variant type: single nucleotide variant.
Coding change: c.4806T>G on transcript NM_018136.5 (MANE Select); coding-DNA position 4806, T replaced by G.
Protein change: p.Tyr1602Ter; replaces tyrosine 1602 with a stop codon.
Molecular consequence: nonsense. On other transcripts: intron variant (1).
Genome position (GRCh38, 1-based): chr1:197,104,445, A>C on the plus strand (T>G on the coding strand, the complement: ASPM is on the minus strand). VCF-style: chr1-197104445-A-C. GRCh37 (hg19) VCF-style: chr1-197073575-A-C.
Other names: c.4066-8281T>G (NM_001206846.2); short protein forms Y1602*.
Identifiers: ClinVar variation 2151911 (VCV002151911.4), dbSNP rs141338163, ClinGen allele CA344028841.